The following is an entry in ClinVar:

NM_017739.4(POMGNT1):c.1453C>T (p.Arg485Cys)

Genes: POMGNT1 (protein O-linked mannose N-acetylglucosaminyltransferase 1 (beta 1,2-); minus strand), TSPAN1 (tetraspanin 1; plus strand). Cytogenetic location: 1p34.1.
Variant type: single nucleotide variant.
Coding change: c.1453C>T on transcript NM_017739.4 (MANE Select); coding-DNA position 1453, C replaced by T.
Protein change: p.Arg485Cys; replaces arginine 485 with cysteine.
Molecular consequence: missense variant.
Genome position (GRCh38, 1-based): chr1:46,192,184, G>A on the plus strand (C>T on the coding strand, the complement: POMGNT1 is on the minus strand). VCF-style: chr1-46192184-G-A. GRCh37 (hg19) VCF-style: chr1-46657856-G-A.
Other names: NM_017739.4(POMGNT1):c.1453C>T; p.Arg485Cys; c.1453C>T, p.Arg485Cys (NM_001243766.2, NM_001410783.1); c.1387C>T, p.Arg463Cys (NM_001290129.3); c.1024C>T, p.Arg342Cys (NM_001290130.2); short protein forms R342C, R463C, R485C.
Identifiers: ClinVar variation 1200851 (VCV001200851.17), dbSNP rs755588045, ClinGen allele CA833368.

ClinVar aggregate classification (germline): Conflicting classifications of pathogenicity. Review status: criteria provided, conflicting classifications (1 of 4 stars). 8 submissions from 8 submitters: Likely pathogenic (2); Uncertain significance (6). Last evaluated 2026-03-02.

Conditions:
Retinal dystrophy. Also called: Inherited retinal dystrophy. Identifiers: Orphanet 71862, MedGen C0854723, MeSH D058499, MONDO:0019118, HP:0000556.
Autosomal recessive limb-girdle muscular dystrophy type 2O. Also called: Limb-Girdle Muscular Dystrophy Type 3C; MUSCULAR DYSTROPHY-DYSTROGLYCANOPATHY (LIMB-GIRDLE), TYPE C, 3; MUSCULAR DYSTROPHY-DYSTROGLYCANOPATHY, LIMB-GIRDLE, POMGNT1-RELATED. Identifiers: Orphanet 206564, MedGen C3150417, MONDO:0013161, OMIM 613157.
Muscular dystrophy-dystroglycanopathy (congenital with impaired intellectual development), type B, 3. Also called: Muscular dystrophy-dystroglycanopathy (congenital with intellectual disability), type B3; MUSCULAR DYSTROPHY, CONGENITAL, POMGNT1-RELATED. Identifiers: MedGen C3150412, MONDO:0013155, OMIM 613151.
Muscular dystrophy-dystroglycanopathy. Also called: Congenital muscular dystrophy due to dystroglycanopathy. Identifiers: Orphanet 370953, MedGen C5679911, MONDO:0018276.

Allele frequency attached by ClinVar (database versions not stated): gnomAD exomes 0.00002; TOPMed 0.00002; ExAC 0.00002; gnomAD 0.00003.
gnomAD v4.1: 26 of 1,614,082 alleles (0.0016%); highest among the groups gnomAD compares: Non-Finnish European, 0.0017%; no homozygotes.

Submissions (8):

Women's Health and Genetics/Laboratory Corporation of America, LabCorp
Classification: Uncertain significance. Last evaluated: 2026-03-02. Review status: criteria provided, single submitter. Criteria: LabCorp Variant Classification Summary - May 2015. Collection method: clinical testing. Allele origin: germline.
Comment: Variant summary: POMGNT1 c.1453C>T (p.Arg485Cys) results in a non-conservative amino acid change in the encoded protein sequence. Algorithms developed to predict the effect of missense changes on protein structure and function all suggest that this variant is likely to be disruptive. The variant allele was found at a frequency of 1.6e-05 in 251494 control chromosomes. c.1453C>T has been observed in compound heterozygous individual(s) affected with retinitis pigmentosa (e.g. Sather_2023, Internal data). These data indicate that the variant may be associated with disease. To our knowledge, no experimental evidence demonstrating an impact on protein function has been reported. The following publication has been ascertained in the context of this evaluation (PMID: 37446072). ClinVar contains an entry for this variant (Variation ID: 1200851). Based on the evidence outlined above, the variant was classified as VUS-possibly pathogenic.

Dasa
Classification: Uncertain significance. Last evaluated: 2025-10-07. Review status: criteria provided, single submitter. Criteria: DASA Assertion Criteria. Collection method: clinical testing. Allele origin: germline.
Comment: NM_017739.4(POMGNT1):c.1453C>T (p.Arg485Cys) is a missense variant that results in the substitution of arginine with cysteine. This variant is rare in population databases. Computational prediction algorithms are consistent with a deleterious effect. The currently available literature and clinical evidence are not sufficient to establish a definitive association between this variant and the reported condition. Therefore, this variant is classified as a variant of uncertain significance.

Revvity Omics, Revvity
Classification: Uncertain significance. Last evaluated: 2024-11-27. Review status: criteria provided, single submitter. Criteria: ACMG Guidelines, 2015. Collection method: clinical testing. Allele origin: germline.

Blueprint Genetics
Classification: Uncertain significance. Last evaluated: 2024-05-02. Review status: criteria provided, single submitter. Criteria: ACMG Guidelines, 2015. Collection method: clinical testing. Allele origin: germline.

Labcorp Genetics (formerly Invitae), Labcorp
Classification: Likely pathogenic for Autosomal recessive limb-girdle muscular dystrophy type 2O; Muscular dystrophy-dystroglycanopathy (congenital with impaired intellectual development), type B, 3. Last evaluated: 2023-11-27. Review status: criteria provided, single submitter. Criteria: Invitae Variant Classification Sherloc (09022015). Collection method: clinical testing. Allele origin: germline.
Comment: This sequence change replaces arginine, which is basic and polar, with cysteine, which is neutral and slightly polar, at codon 485 of the POMGNT1 protein (p.Arg485Cys). This variant is present in population databases (rs755588045, gnomAD 0.005%). This missense change has been observed in individual(s) with clinical features of retinitis pigmentosa (Invitae). In at least one individual the data is consistent with being in trans (on the opposite chromosome) from a pathogenic variant. ClinVar contains an entry for this variant (Variation ID: 1200851). Advanced modeling of protein sequence and biophysical properties (such as structural, functional, and spatial information, amino acid conservation, physicochemical variation, residue mobility, and thermodynamic stability) has been performed at Invitae for this missense variant, however the output from this modeling did not meet the statistical confidence thresholds required to predict the impact of this variant on POMGNT1 protein function. In summary, the currently available evidence indicates that the variant is pathogenic, but additional data are needed to prove that conclusively. Therefore, this variant has been classified as Likely Pathogenic.

Dept Of Ophthalmology, Nagoya University
Classification: Likely pathogenic for Retinal dystrophy. Last evaluated: 2023-10-01. Review status: criteria provided, single submitter. Criteria: Submitter's publication. Collection method: research. Allele origin: germline. Affected: yes.

Broad Center for Mendelian Genomics, Broad Institute of MIT and Harvard
Classification: Uncertain significance for Muscular dystrophy-dystroglycanopathy. Last evaluated: 2023-01-24. Review status: criteria provided, single submitter. Criteria: ACMG Guidelines, 2015. Collection method: curation. Allele origin: germline. Inheritance: Autosomal recessive inheritance.
Comment: The p.Arg485Cys variant in POMGNT1 has not been previously reported in the literature in individuals with POMGNT1-associated muscular dystrophy-dystroglycanopathy, but has been identified in 0.005% (1/19952) of East Asian chromosomes by the Genome Aggregation Database (gnomAD; dbSNP ID: rs755588045). Although this variant has been seen in the general population in a heterozygous state, its frequency is low enough to be consistent with a recessive carrier frequency. This variant has also been reported in ClinVar (Variation ID#1200851) and has been interpreted as likely pathogenic by Invitae and as a variant of uncertain significance by GeneDx. Computational prediction tools and conservation analyses suggest that this variant may impact the protein, though this information is not predictive enough to determine pathogenicity. In summary, the clinical significance of the p.Arg485Cys variant is uncertain. ACMG/AMP Criteria applied: PM2_Supporting, PP3 (Richards 2015).

GeneDx
Classification: Uncertain significance. Last evaluated: 2020-11-11. Review status: criteria provided, single submitter. Criteria: GeneDx Variant Classification Process June 2021. Collection method: clinical testing. Allele origin: germline. Affected: yes.
Comment: Not observed at a significant frequency in large population cohorts (Lek et al., 2016); In silico analysis supports that this missense variant has a deleterious effect on protein structure/function; Has not been previously published as pathogenic or benign to our knowledge

Literature cited by the submitters: PubMed 37446072 (cited by Women's Health and Genetics/Laboratory Corporation of America, LabCorp).